The following is an entry in ClinVar:

ClinVar aggregate classification (germline): Benign. Review status: criteria provided, multiple submitters, no conflicts (2 of 4 stars). 2 submissions from 2 submitters: Benign (2). Last evaluated 2018-06-14.

Allele frequency attached by ClinVar (database versions not stated): 1000 Genomes Project 0.03175; 1000 Genomes Project 30x 0.03357; TOPMed 0.04953; gnomAD 0.05116 and 0.05185; gnomAD exomes 0.06705.
gnomAD v4.1: 94,892 of 1,453,068 alleles (6.5%); highest among the groups gnomAD compares: Middle Eastern, 9.1%; 3,534 homozygotes.

Submissions (2):

GeneDx
Classification: Benign. Last evaluated: 2018-06-14. Review status: criteria provided, single submitter. Criteria: GeneDx Variant Classification (06012015). Collection method: clinical testing. Allele origin: germline. Affected: yes.
Comment: This variant is considered likely benign or benign based on one or more of the following criteria: it is a conservative change, it occurs at a poorly conserved position in the protein, it is predicted to be benign by multiple in silico algorithms, and/or has population frequency not consistent with disease.

Breakthrough Genomics
Classification: Benign. Review status: criteria provided, single submitter. Criteria: ACMG Guidelines, 2015. Collection method: not provided. Allele origin: germline. Inheritance: Autosomal recessive inheritance. Affected: yes.

NM_203447.4(DOCK8):c.3840+110G>C

Gene: DOCK8 (dedicator of cytokinesis 8; plus strand). Cytogenetic location: 9p24.3.
Variant type: single nucleotide variant.
Coding change: c.3840+110G>C on transcript NM_203447.4 (MANE Select); 110 bases into the intron after coding-DNA position 3840, G replaced by C.
Molecular consequence: intron variant.
Genome position (GRCh38, 1-based): chr9:418,317, G>C. VCF-style: chr9-418317-G-C. GRCh37 (hg19) VCF-style: chr9-418317-G-C.
Other names: c.3636+110G>C (NM_001193536.2); c.3540+110G>C (NM_001190458.2).
Identifiers: ClinVar variation 674987 (VCV000674987.2), dbSNP rs62531902, ClinGen allele CA13091986.
Genomic context (GRCh38, chr9:418,317, plus strand): 5'-TCTTCTGTTTTGTTTTGTTTGTTTGTTTGTTTTGAGACAGAGTCTCACTCTGTTGCACAG[G>C]CTGGAGTGCAGTGGCGCAATCTCAGTTCACTGCAACCTCCGCCTCCCGGGTTCTTCATGC-3'